The following is an entry in ClinVar:

ClinVar aggregate classification (germline): Uncertain significance. Review status: criteria provided, multiple submitters, no conflicts (2 of 4 stars). 5 submissions from 4 submitters: Uncertain significance (5). Last evaluated 2026-05-12.

Conditions:
CC2D2A-related disorder. Also called: CC2D2A-related disorders; CC2D2A-related condition. Identifiers: MedGen CN239313.
Meckel-Gruber syndrome. Also called: Dysencephalia splachnocystica; DYSENCEPHALIA SPLANCHNOCYSTICA; GRUBER SYNDROME. Identifiers: Orphanet 564, MedGen C0265215, MONDO:0018921.
Joubert syndrome. Also called: JOUBERT-BOLTSHAUSER SYNDROME; Familial aplasia of the vermis. Identifiers: Orphanet 475, MedGen C5979921, MONDO:0018772.
Joubert syndrome 9 (JBTS9). Identifiers: Orphanet 2318, MedGen C2676788, MONDO:0012849, OMIM 612285.
Meckel syndrome, type 6. Identifiers: Orphanet 564, MedGen C2676790, MONDO:0012848, OMIM 612284.

Allele frequency attached by ClinVar (database versions not stated): gnomAD below 0.00001 and 0.00003; TOPMed below 0.00001; gnomAD exomes 0.00008 and 0.00013; ExAC 0.00018; 1000 Genomes Project 30x 0.00078; 1000 Genomes Project 0.00080.
gnomAD v4.1: 121 of 1,613,220 alleles (0.0075%); highest among the groups gnomAD compares: South Asian, 0.12%; 1 homozygote.

Submissions (5):

PreventionGenetics, part of Exact Sciences
Classification: Uncertain significance for CC2D2A-related condition. Last evaluated: 2026-05-12. Review status: criteria provided, single submitter. Criteria: ACMG Guidelines, 2015. Collection method: clinical testing. Allele origin: germline.
Comment: The CC2D2A c.2734A>G variant is predicted to result in the amino acid substitution p.Arg912Gly. To our knowledge, this variant has not been reported in relation to CC2D2A disease. This variant is reported in 0.10% of alleles in individuals of South Asian descent in gnomAD. Although we suspect that this variant may be benign, at this time, the clinical significance of this variant is uncertain due to the absence of conclusive functional and genetic evidence.

Labcorp Genetics (formerly Invitae), Labcorp
Classification: Uncertain significance for Joubert syndrome; Meckel-Gruber syndrome. Last evaluated: 2022-08-16. Review status: criteria provided, single submitter. Criteria: Invitae Variant Classification Sherloc (09022015). Collection method: clinical testing. Allele origin: germline.
Comment: This sequence change replaces arginine, which is basic and polar, with glycine, which is neutral and non-polar, at codon 912 of the CC2D2A protein (p.Arg912Gly). This variant is present in population databases (rs574421639, gnomAD 0.1%). This variant has not been reported in the literature in individuals affected with CC2D2A-related conditions. ClinVar contains an entry for this variant (Variation ID: 347843). Advanced modeling of protein sequence and biophysical properties (such as structural, functional, and spatial information, amino acid conservation, physicochemical variation, residue mobility, and thermodynamic stability) performed at Invitae indicates that this missense variant is expected to disrupt CC2D2A protein function. In summary, the available evidence is currently insufficient to determine the role of this variant in disease. Therefore, it has been classified as a Variant of Uncertain Significance.

Blueprint Genetics
Classification: Uncertain significance. Last evaluated: 2022-08-05. Review status: criteria provided, single submitter. Criteria: ACMG Guidelines, 2015. Collection method: clinical testing. Allele origin: germline.

Illumina Laboratory Services, Illumina
Classification: Uncertain significance for Meckel syndrome, type 6. Last evaluated: 2018-01-13. Review status: criteria provided, single submitter. Criteria: ICSL Variant Classification Criteria 13 December 2019. Collection method: clinical testing. Allele origin: germline.

Illumina Laboratory Services, Illumina
Classification: Uncertain significance for Joubert syndrome 9. Last evaluated: 2018-01-13. Review status: criteria provided, single submitter. Criteria: ICSL Variant Classification Criteria 13 December 2019. Collection method: clinical testing. Allele origin: germline.

NM_001378615.1(CC2D2A):c.2734A>G (p.Arg912Gly)

Genes: CC2D2A (coiled-coil and C2 domain containing 2A; plus strand), FBXL5 (F-box and leucine rich repeat protein 5; minus strand). Cytogenetic location: 4p15.32.
Variant type: single nucleotide variant.
Coding change: c.2734A>G on transcript NM_001378615.1 (MANE Select); coding-DNA position 2734, A replaced by G.
Protein change: p.Arg912Gly; replaces arginine 912 with glycine.
Molecular consequence: missense variant.
Genome position (GRCh38, 1-based): chr4:15,557,412, A>G. VCF-style: chr4-15557412-A-G. GRCh37 (hg19) VCF-style: chr4-15559035-A-G.
Other names: c.2734A>G, p.Arg912Gly (NM_001080522.2); c.2587A>G, p.Arg863Gly (NM_001378617.1); short protein forms R912G, R863G.
Identifiers: ClinVar variation 347843 (VCV000347843.12), dbSNP rs574421639, ClinGen allele CA2863999.
Genomic context (GRCh38, chr4:15,557,412, plus strand): 5'-CAGCTGCAACAGGAGTTTAACTTTGTTTCAGATCAAGAATTAAATAGATCCAAACGATTT[A>G]GGCTTCTTCATCTTAGAAGCCAAGAGGTGCCAGAATTCCGAAATTATAAGCAAGTTCCAG-3'
Protein context (NP_001365544.1, residues 902-922): DQELNRSKRF[Arg912Gly]LLHLRSQEVP